The following is an entry in ClinVar:

ClinVar aggregate classification (germline): Uncertain significance (1 of 4 stars; one submission).

Conditions:
Gastrointestinal stromal tumor. Also called: Gastrointestinal stromal tumor, somatic; Gastrointestinal stroma tumor. Identifiers: Orphanet 44890, MedGen C0238198, MeSH D046152, MONDO:0011719, OMIM 606764, HP:0100723.

Submission:

Labcorp Genetics (formerly Invitae), Labcorp
Classification: Uncertain significance for Gastrointestinal stromal tumor. Last evaluated: 2022-01-26. Review status: criteria provided, single submitter. Criteria: Invitae Variant Classification Sherloc (09022015). Collection method: clinical testing. Allele origin: germline.
Comment: This sequence change creates a premature translational stop signal (p.Leu1007Trpfs*6) in the PDGFRA gene. It is expected to result in an absent or disrupted protein product. However, the current clinical and genetic evidence is not sufficient to establish whether loss-of-function variants in PDGFRA cause disease. This variant is not present in population databases (gnomAD no frequency). In summary, the available evidence is currently insufficient to determine the role of this variant in disease. Therefore, it has been classified as a Variant of Uncertain Significance. ClinVar contains an entry for this variant (Variation ID: 1052039). This variant has not been reported in the literature in individuals affected with PDGFRA-related conditions.

NM_006206.6(PDGFRA):c.3019del (p.Leu1007fs)

Gene: PDGFRA (platelet derived growth factor receptor alpha; plus strand). Cytogenetic location: 4q12.
Variant type: Deletion.
Coding change: c.3019del on transcript NM_006206.6 (MANE Select); coding-DNA position 3019, one base deleted (C; older notation c.3019delC).
Protein change: p.Leu1007fs; shifts the reading frame from leucine 1007.
Molecular consequence: frameshift variant.
Genome position (GRCh38, 1-based): chr4:54,290,451, C deleted. VCF-style (leftmost placement, unchanged base first): chr4-54290450-TC-T. GRCh37 (hg19) VCF-style: chr4-55156617-TC-T.
Other names: c.3058del, p.Leu1020fs (NM_001347830.2); c.3094del, p.Leu1032fs (NM_001347828.2); c.3019del, p.Leu1007fs (NM_001347829.2); short protein forms L1007fs, L1020fs, L1032fs.
Identifiers: ClinVar variation 1052039 (VCV001052039.7), dbSNP rs2110348679, ClinGen allele CA2499217255.